The following is an entry in ClinVar:

NM_145239.3(PRRT2):c.880-11C>T

Genes: MVP-DT (MVP divergent transcript; minus strand), PRRT2 (proline rich transmembrane protein 2; plus strand). Cytogenetic location: 16p11.2.
Variant type: single nucleotide variant.
Coding change: c.880-11C>T on transcript NM_145239.3 (MANE Select); 11 bases into the intron before coding-DNA position 880, C replaced by T.
Molecular consequence: intron variant. On other transcripts: 3 prime UTR variant (1).
Genome position (GRCh38, 1-based): chr16:29,814,322, C>T. VCF-style: chr16-29814322-C-T. GRCh37 (hg19) VCF-style: chr16-29825643-C-T.
Other names: c.*368C>T (NM_001256443.2); c.880-11C>T (NM_001256442.2).
Identifiers: ClinVar variation 378433 (VCV000378433.10), dbSNP rs769037377, ClinGen allele CA7994616.

ClinVar aggregate classification (germline): Benign/Likely benign. Review status: criteria provided, multiple submitters, no conflicts (2 of 4 stars). 3 submissions from 3 submitters: Benign (1); Likely benign (2). Last evaluated 2025-10-26.

Conditions:
Episodic kinesigenic dyskinesia (EKD). Also called: Paroxysmal kinesigenic dyskinesia. Identifiers: Orphanet 98809, MedGen C1868682, MONDO:0044202.

Allele frequency attached by ClinVar (database versions not stated): gnomAD exomes below 0.00001; ExAC 0.00001; gnomAD 0.00001; TOPMed 0.00002.

Submissions (3):

Labcorp Genetics (formerly Invitae), Labcorp
Classification: Likely benign for Episodic kinesigenic dyskinesia. Last evaluated: 2025-10-26. Review status: criteria provided, single submitter. Criteria: Invitae Variant Classification Sherloc (09022015). Collection method: clinical testing. Allele origin: germline.

Blueprint Genetics
Classification: Likely benign. Last evaluated: 2023-08-03. Review status: criteria provided, single submitter. Criteria: ACMG Guidelines, 2015. Collection method: clinical testing. Allele origin: germline.

GeneDx
Classification: Benign. Last evaluated: 2015-09-17. Review status: criteria provided, single submitter. Criteria: GeneDx Variant Classification (06012015). Collection method: clinical testing. Allele origin: germline. Affected: yes.
Comment: This variant is considered likely benign or benign based on one or more of the following criteria: it is a conservative change, it occurs at a poorly conserved position in the protein, it is predicted to be benign by multiple in silico algorithms, and/or has population frequency not consistent with disease.